The following is an entry in ClinVar:

ClinVar aggregate classification (germline): Pathogenic (1 of 4 stars; one submission).

Conditions:
Phenylketonuria (PKU). Also called: FOLLING DISEASE; OLIGOPHRENIA PHENYLPYRUVICA; Phenylketonurias; Phenylketonuria (PKU). Identifiers: Orphanet 716, MedGen C0031485, MONDO:0009861, OMIM 261600. Disease mechanism: loss of function.

Submission:

Myriad Genetics, Inc.
Classification: Pathogenic for Phenylketonuria. Last evaluated: 2023-10-26. Review status: criteria provided, single submitter. Criteria: Myriad Autosomal Dominant, Autosomal Recessive and X-Linked Classification Criteria (2023). Collection method: clinical testing. Allele origin: unknown.
Comment: NM_000277.1(PAH):c.729_730del2ins6(P244Dfs*40) is expected to be pathogenic in the context of phenylalanine hydroxylase deficiency. This variant is predicted to lead to an abnormal or absent protein product due to the creation of a premature termination codon in PAH, a gene where loss-of-function variants are known to be pathogenic. Please note: this variant was assessed in the context of healthy population screening.

NM_000277.3(PAH):c.729_730delinsGGATTT (p.Pro244fs)

Gene: PAH (phenylalanine hydroxylase; minus strand). Cytogenetic location: 12q23.2.
Variant type: Indel.
Coding change: c.729_730delinsGGATTT on transcript NM_000277.3 (MANE Select); coding-DNA positions 729 to 730, AC replaced by GGATTT.
Protein change: p.Pro244fs; shifts the reading frame from proline 244.
Molecular consequence: frameshift variant.
Genome position (GRCh38, 1-based): chr12:102,852,927-102,852,928, GT replaced by AAATCC on the plus strand (AC replaced by GGATTT on the coding strand, the reverse complement: PAH is on the minus strand). VCF-style: chr12-102852927-GT-AAATCC. GRCh37 (hg19) VCF-style: chr12-103246705-GT-AAATCC.
Other names: c.729_730delinsGGATTT, p.Pro244fs (NM_001354304.2); short protein forms P244fs.
Identifiers: ClinVar variation 5012435 (VCV005012435.1).